The following is an entry in ClinVar:

NM_001367873.1(SOX6):c.101A>G (p.Asp34Gly)

Gene: SOX6 (SRY-box transcription factor 6; minus strand). Cytogenetic location: 11p15.2.
Variant type: single nucleotide variant.
Coding change: c.101A>G on transcript NM_001367873.1 (MANE Select); coding-DNA position 101, A replaced by G.
Protein change: p.Asp34Gly; replaces aspartic acid 34 with glycine.
Molecular consequence: missense variant.
Genome position (GRCh38, 1-based): chr11:16,341,148, T>C on the plus strand (A>G on the coding strand, the complement: SOX6 is on the minus strand). VCF-style: chr11-16341148-T-C. GRCh37 (hg19) VCF-style: chr11-16362694-T-C.
Other names: c.101A>G, p.Asp34Gly (NM_001145811.2, NM_001145819.2, NM_001367872.1 and 2 more transcripts); short protein forms D34G.
Identifiers: ClinVar variation 3706281 (VCV003706281.2).

ClinVar aggregate classification (germline): Uncertain significance (1 of 4 stars; one submission).

gnomAD v4.1: 1 of 1,613,548 alleles (0.000062%); highest among the groups gnomAD compares: Non-Finnish European, 0.000085%; no homozygotes.

Submission:

Labcorp Genetics (formerly Invitae), Labcorp
Classification: Uncertain significance. Last evaluated: 2024-11-18. Review status: criteria provided, single submitter. Criteria: Invitae Variant Classification Sherloc (09022015). Collection method: clinical testing. Allele origin: germline.
Comment: This sequence change replaces aspartic acid, which is acidic and polar, with glycine, which is neutral and non-polar, at codon 34 of the SOX6 protein (p.Asp34Gly). This variant is not present in population databases (gnomAD no frequency). This variant has not been reported in the literature in individuals affected with SOX6-related conditions. Invitae Evidence Modeling of protein sequence and biophysical properties (such as structural, functional, and spatial information, amino acid conservation, physicochemical variation, residue mobility, and thermodynamic stability) indicates that this missense variant is not expected to disrupt SOX6 protein function with a negative predictive value of 80%. In summary, the available evidence is currently insufficient to determine the role of this variant in disease. Therefore, it has been classified as a Variant of Uncertain Significance.